The following is an entry in ClinVar:

ClinVar aggregate classification (germline): Conflicting classifications of pathogenicity. Review status: criteria provided, conflicting classifications (1 of 4 stars). 6 submissions from 6 submitters: Pathogenic (3); Likely pathogenic (2); Likely benign (1). Last evaluated 2025-11-22.

Conditions:
DYNC2H1-related disorder. Also called: DYNC2H1-related disorders; DYNC2H1-related condition. Identifiers: MedGen CN378770.
Jeune thoracic dystrophy. Also called: Short-rib thoracic dysplasia; Jeune syndrome; Infantile thoracic dystrophy; Thoracic pelvic phalangeal dystrophy; Jeune's syndrome; Chondroectodermal dysplasia-like syndrome. Identifiers: Orphanet 474, MedGen C0265275, MONDO:0018770.
Asphyxiating thoracic dystrophy 3. Also called: Short rib polydactyly syndrome 2B; Saldino-Noonan Syndrome; SHORT-RIB THORACIC DYSPLASIA 3 WITH OR WITHOUT POLYDACTYLY; POLYDACTYLY WITH NEONATAL CHONDRODYSTROPHY, TYPE I; SHORT-RIB THORACIC DYSPLASIA 3/6 WITH POLYDACTYLY, DIGENIC. Identifiers: Orphanet 474, Orphanet 93269, Orphanet 93270, Orphanet 93271, MedGen C0036069, MONDO:0013127, OMIM 613091.

Allele frequency attached by ClinVar (database versions not stated): gnomAD exomes 0.00001; ExAC 0.00003; TOPMed 0.00003.
gnomAD v4.1: 11 of 1,611,236 alleles (0.00068%); highest among the groups gnomAD compares: East Asian, 0.0022%; no homozygotes.

Submissions (6):

Labcorp Genetics (formerly Invitae), Labcorp
Classification: Likely benign for Jeune thoracic dystrophy. Last evaluated: 2025-11-22. Review status: criteria provided, single submitter. Criteria: Invitae Variant Classification Sherloc (09022015). Collection method: clinical testing. Allele origin: germline.

GeneDx
Classification: Likely pathogenic. Last evaluated: 2023-10-02. Review status: criteria provided, single submitter. Criteria: GeneDx Variant Classification Process June 2021. Collection method: clinical testing. Allele origin: germline. Affected: yes.
Comment: Reported with a partial gene deletion on the opposite allele (in trans) in a patient with skeletal and renal findings, but more specific clinical information was not provided (PMID: 35764379); Not observed at significant frequency in large population cohorts (gnomAD); In silico analysis supports a deleterious effect on splicing; This variant is associated with the following publications: (PMID: 33875766, 35764379)

Department of Human Genetics, Hannover Medical School
Classification: Pathogenic for Asphyxiating thoracic dystrophy 3. Last evaluated: 2023-04-14. Review status: criteria provided, single submitter. Criteria: ACMG Guidelines, 2015. Collection method: clinical testing. Allele origin: germline. Affected: yes.

Blueprint Genetics
Classification: Pathogenic for DYNC2H1-related disorders. Last evaluated: 2022-08-05. Review status: criteria provided, single submitter. Criteria: ACMG Guidelines, 2015. Collection method: clinical testing. Allele origin: germline. Affected: yes. Observed: 2 variant alleles.

Rare Disease Group, Clinical Genetics, Karolinska Institutet
Classification: Likely pathogenic for Jeune thoracic dystrophy. Last evaluated: 2018-05-01. Review status: criteria provided, single submitter. Criteria: ACMG Guidelines, 2015. Collection method: research. Allele origin: maternal. Inheritance: Autosomal recessive inheritance. Affected: yes.

Juno Genomics, Hangzhou Juno Genomics, Inc
Classification: Pathogenic for Asphyxiating thoracic dystrophy 3. Review status: criteria provided, single submitter. Criteria: ACMG Guidelines, 2015. Collection method: clinical testing. Allele origin: germline. Affected: yes.
Comment: Absent from controls (or at extremely low frequency if recessive) in Genome Aggregation Database, Exome Sequencing Project, 1000 Genomes Project, or Exome Aggregation Consortium.;Null variant in a gene where loss of function (LOF) is a known mechanism of disease.;For recessive disorders, detected in trans with a pathogenic variant.;Patient's phenotype or family history is highly specific for a disease with a single genetic etiology.

NM_001377.3(DYNC2H1):c.11049G>A (p.Pro3683=)

Gene: DYNC2H1 (dynein cytoplasmic 2 heavy chain 1; plus strand). Cytogenetic location: 11q22.3.
Variant type: single nucleotide variant.
Coding change: c.11049G>A on transcript NM_001377.3 (MANE Select); coding-DNA position 11049, G replaced by A.
Protein change: p.Pro3683=; no amino-acid change (proline 3683 retained).
Molecular consequence: synonymous variant.
Genome position (GRCh38, 1-based): chr11:103,287,559, G>A. VCF-style: chr11-103287559-G-A. GRCh37 (hg19) VCF-style: chr11-103158288-G-A.
Other names: c.11070G>A, p.Pro3690= (NM_001080463.2).
Identifiers: ClinVar variation 558753 (VCV000558753.14), dbSNP rs764926983, ClinGen allele CA6255145.